The following is an entry in ClinVar:

ClinVar aggregate classification (germline): Uncertain significance (1 of 4 stars; one submission).

Submission:

CeGaT Center for Human Genetics Tuebingen
Classification: Uncertain significance. Last evaluated: 2025-05-01. Review status: criteria provided, single submitter. Criteria: CeGaT Center For Human Genetics Tuebingen Variant Classification Criteria Version 2. Collection method: clinical testing. Allele origin: germline. Affected: yes. Observed: 1 variant allele.
Comment: COL3A1: PM2

NM_000090.4(COL3A1):c.2380C>T (p.Arg794Cys)

Genes: COL3A1 (collagen type III alpha 1 chain; plus strand), LOC126806446 (P300/CBP strongly-dependent group 1 enhancer GRCh37_chr2:189866210-189867409; plus strand). Cytogenetic location: 2q32.2.
Variant type: single nucleotide variant.
Coding change: c.2380C>T on transcript NM_000090.4 (MANE Select); coding-DNA position 2380, C replaced by T.
Protein change: p.Arg794Cys; replaces arginine 794 with cysteine.
Molecular consequence: missense variant.
Genome position (GRCh38, 1-based): chr2:189,001,578, C>T. VCF-style: chr2-189001578-C-T. GRCh37 (hg19) VCF-style: chr2-189866304-C-T.
Other names: short protein forms R794C.
Identifiers: ClinVar variation 3905652 (VCV003905652.10).